The following is an entry in ClinVar:

ClinVar aggregate classification (germline): Likely pathogenic (1 of 4 stars; one submission).

Conditions:
Amelogenesis imperfecta type 1G (AI1G). Also called: AMELOGENESIS IMPERFECTA, TYPE IG; AMELOGENESIS IMPERFECTA, HYPOPLASTIC, AND NEPHROCALCINOSIS; Amelogenesis imperfecta hypoplastic type, IG; Amelogenesis imperfecta and nephrocalcinosis; ENAMEL-RENAL-GINGIVAL SYNDROME; AMELOGENESIS IMPERFECTA, HYPOPLASTIC, WITH NEPHROCALCINOSIS. Identifiers: Orphanet 1031, Orphanet 171836, MedGen C2931783, MONDO:0008771, OMIM 204690. Disease mechanism: loss of function.

Submission:

Juno Genomics, Hangzhou Juno Genomics, Inc
Classification: Likely pathogenic for Amelogenesis imperfecta type 1G. Review status: criteria provided, single submitter. Criteria: ACMG Guidelines, 2015. Collection method: clinical testing. Allele origin: germline.
Comment: Null variant in a gene where loss of function (LOF) is a known mechanism of disease.;Absent from controls (or at extremely low frequency if recessive) in Genome Aggregation Database.

NM_017565.4(FAM20A):c.936dup (p.Val313fs)

Genes: FAM20A (FAM20A golgi associated secretory pathway pseudokinase; minus strand), PRKAR1A (protein kinase cAMP-dependent type I regulatory subunit alpha; plus strand). Cytogenetic location: 17q24.2.
Variant type: Duplication.
Coding change: c.936dup on transcript NM_017565.4 (MANE Select); coding-DNA position 936, one base duplicated (C; older notation c.936dupC).
Protein change: p.Val313fs; shifts the reading frame from valine 313.
Molecular consequence: frameshift variant. On other transcripts: non-coding transcript variant (1), intron variant (1).
Genome position (GRCh38, 1-based): chr17:68,542,158, G duplicated on the plus strand (C on the coding strand, the reverse complement: FAM20A is on the minus strand). VCF-style (leftmost placement, unchanged base first): chr17-68542157-C-CG. GRCh37 (hg19) VCF-style: chr17-66538298-C-CG.
Other names: c.522dup, p.Val175fs (NM_001243746.2); c.974-8926dup (NM_001276290.1); short protein forms V175fs, V313fs.
Identifiers: ClinVar variation 5005797 (VCV005005797.2).